The following is an entry in ClinVar:

NM_020117.11(LARS1):c.354A>G (p.Pro118=)

Gene: LARS1 (leucyl-tRNA synthetase 1; minus strand). Cytogenetic location: 5q32.
Variant type: single nucleotide variant.
Coding change: c.354A>G on transcript NM_020117.11 (MANE Select); coding-DNA position 354, A replaced by G.
Protein change: p.Pro118=; no amino-acid change (proline 118 retained).
Molecular consequence: synonymous variant. On other transcripts: intron variant (1).
Genome position (GRCh38, 1-based): chr5:146,168,206, T>C on the plus strand (A>G on the coding strand, the complement: LARS1 is on the minus strand). VCF-style: chr5-146168206-T-C. GRCh37 (hg19) VCF-style: chr5-145547769-T-C.
Other names: p.P118P:CCA>CCG; c.192A>G, p.Pro64= (NM_001317965.2); c.273A>G, p.Pro91= (NM_016460.4); c.294+3704A>G (NM_001317964.2).
Identifiers: ClinVar variation 138081 (VCV000138081.11), dbSNP rs73317824, ClinGen allele CA291874.

ClinVar aggregate classification (germline): Benign. Review status: criteria provided, multiple submitters, no conflicts (2 of 4 stars). 2 submissions from 2 submitters: Benign (2). Last evaluated 2026-01-28.

Allele frequency attached by ClinVar (database versions not stated): gnomAD exomes 0.00796; ExAC 0.00950; gnomAD 0.02942 and 0.03174; TOPMed 0.03310; ESP Exome Variant Server 0.03322; 1000 Genomes Project 0.03834; 1000 Genomes Project 30x 0.04247.
gnomAD v4.1: 8,928 of 1,613,398 alleles (0.55%); highest among the groups gnomAD compares: African/African-American, 10%; 412 homozygotes.

Submissions (2):

Labcorp Genetics (formerly Invitae), Labcorp
Classification: Benign. Last evaluated: 2026-01-28. Review status: criteria provided, single submitter. Criteria: Invitae Variant Classification Sherloc (09022015). Collection method: clinical testing. Allele origin: germline.

GeneDx
Classification: Benign. Last evaluated: 2014-05-27. Review status: criteria provided, single submitter. Criteria: GeneDx Variant Classification (06012015). Collection method: clinical testing. Allele origin: germline. Affected: yes.
Comment: This variant is considered likely benign or benign based on one or more of the following criteria: it is a conservative change, it occurs at a poorly conserved position in the protein, it is predicted to be benign by multiple in silico algorithms, and/or has population frequency not consistent with disease.